The following is an entry in ClinVar:

ClinVar aggregate classification (germline): Uncertain significance (1 of 4 stars; one submission).

Submission:

Labcorp Genetics (formerly Invitae), Labcorp
Classification: Uncertain significance. Last evaluated: 2022-06-22. Review status: criteria provided, single submitter. Criteria: Invitae Variant Classification Sherloc (09022015). Collection method: clinical testing. Allele origin: germline.
Comment: This variant results in a copy number gain of the genomic region encompassing exon(s) 26 of the TBCK gene. This region includes the termination codon of the gene. This copy number gain extends beyond the assayed region for this gene and therefore may encompass additional genes. As the precise location of this event is unknown, it may be in tandem or it may be located elsewhere in the genome. This variant has not been reported in the literature in individuals affected with TBCK-related conditions. Experimental studies and prediction algorithms are not available or were not evaluated, and the functional significance of this variant is currently unknown. In summary, the available evidence is currently insufficient to determine the role of this variant in disease. Therefore, it has been classified as a Variant of Uncertain Significance.

NC_000004.11:g.(?_106967727)_(106967857_?)dup

Gene: TBCK (TBC1 domain containing kinase; minus strand). Cytogenetic location: 4q24.
Variant type: Duplication.
Identifiers: ClinVar variation 2423898 (VCV002423898.3).